The following is an entry in ClinVar:

ClinVar aggregate classification (germline): Uncertain significance. Review status: criteria provided, multiple submitters, no conflicts (2 of 4 stars). 2 submissions from 2 submitters: Uncertain significance (2). Last evaluated 2025-04-13.

Allele frequency attached by ClinVar (database versions not stated): ExAC 0.00001; gnomAD exomes 0.00001.
gnomAD v4.1: 5 of 1,609,880 alleles (0.00031%); highest among the groups gnomAD compares: Non-Finnish European, 0.00042%; no homozygotes.

Submissions (2):

Ambry Genetics
Classification: Uncertain significance. Last evaluated: 2025-04-13. Review status: criteria provided, single submitter. Criteria: Ambry Variant Classification Scheme 2023. Collection method: clinical testing. Allele origin: germline.

Labcorp Genetics (formerly Invitae), Labcorp
Classification: Uncertain significance. Last evaluated: 2023-06-10. Review status: criteria provided, single submitter. Criteria: Invitae Variant Classification Sherloc (09022015). Collection method: clinical testing. Allele origin: germline.
Comment: This sequence change replaces leucine, which is neutral and non-polar, with methionine, which is neutral and non-polar, at codon 1444 of the MYH7B protein (p.Leu1444Met). This variant is present in population databases (rs779014334, gnomAD 0.002%). This variant has not been reported in the literature in individuals affected with MYH7B-related conditions. ClinVar contains an entry for this variant (Variation ID: 1935257). Advanced modeling of protein sequence and biophysical properties (such as structural, functional, and spatial information, amino acid conservation, physicochemical variation, residue mobility, and thermodynamic stability) performed at Invitae indicates that this missense variant is not expected to disrupt MYH7B protein function. In summary, the available evidence is currently insufficient to determine the role of this variant in disease. Therefore, it has been classified as a Variant of Uncertain Significance.

NM_020884.7(MYH7B):c.4204C>A (p.Leu1402Met)

Gene: MYH7B (myosin heavy chain 7B; plus strand). Cytogenetic location: 20q11.22.
Variant type: single nucleotide variant.
Coding change: c.4204C>A on transcript NM_020884.7 (MANE Select); coding-DNA position 4204, C replaced by A.
Protein change: p.Leu1402Met; replaces leucine 1402 with methionine.
Molecular consequence: missense variant.
Genome position (GRCh38, 1-based): chr20:34,999,069, C>A. VCF-style: chr20-34999069-C-A. GRCh37 (hg19) VCF-style: chr20-33586872-C-A.
Other names: c.4330C>A (NM_020884.3); short protein forms L1402M.
Identifiers: ClinVar variation 1935257 (VCV001935257.6), dbSNP rs779014334, ClinGen allele CA9828036.